The following is an entry in ClinVar:

ClinVar aggregate classification (germline): Likely benign. Review status: criteria provided, multiple submitters, no conflicts (2 of 4 stars). 2 submissions from 2 submitters: Likely benign (2). Last evaluated 2026-01-16.

Conditions:
Epidermolysis bullosa simplex 5C, with pyloric atresia (EBS5C). Also called: PLEC-Related Epidermolysis Bullosa with Pyloric Atresia; Epidermolysis bullosa simplex with pyloric atresia; PLEC1-Related Epidermolysis Bullosa with Pyloric Atresia. Identifiers: Orphanet 158684, MedGen C2677349, MONDO:0012807, OMIM 612138.
Epidermolysis bullosa simplex with nail dystrophy (EBS5D). Identifiers: MedGen C4225309, MONDO:0014661, OMIM 616487.
Epidermolysis bullosa simplex 5B, with muscular dystrophy (EBS5B). Also called: EPIDERMOLYSIS BULLOSA SIMPLEX AND LIMB-GIRDLE MUSCULAR DYSTROPHY; Epidermolysis bullosa simplex with muscular dystrophy. Identifiers: Orphanet 257, MedGen C2931072, MONDO:0009181, OMIM 226670.
Epidermolysis bullosa simplex, Ogna type (EBS5A). Also called: Pidermolysis bullosa simplex 5A, Ogna type; EPIDERMOLYSIS BULLOSA SIMPLEX 5A, OGNA TYPE. Identifiers: Orphanet 79401, MedGen C0432317, MONDO:0007555, OMIM 131950.
Autosomal recessive limb-girdle muscular dystrophy type 2Q (LGMDR17). Also called: MUSCULAR DYSTROPHY, LIMB-GIRDLE, AUTOSOMAL RECESSIVE 17. Identifiers: Orphanet 254361, MedGen C3150989, MONDO:0013390, OMIM 613723.
PLEC-related disorder. Also called: PLEC-related condition; PLEC-related disorders.

gnomAD v4.1: 11 of 1,613,504 alleles (0.00068%); highest among the groups gnomAD compares: African/African-American, 0.0027%; no homozygotes.

Submissions (2):

PreventionGenetics, part of Exact Sciences
Classification: Likely benign for PLEC-related condition. Last evaluated: 2026-01-16. Review status: criteria provided, single submitter. Criteria: ACMG Guidelines, 2015. Collection method: clinical testing. Allele origin: germline.
Comment: This variant is classified as likely benign based on ACMG/AMP sequence variant interpretation guidelines (Richards et al. 2015 PMID: 25741868, with internal and published modifications).

Labcorp Genetics (formerly Invitae), Labcorp
Classification: Likely benign for Autosomal recessive limb-girdle muscular dystrophy type 2Q; Epidermolysis bullosa simplex, Ogna type; Epidermolysis bullosa simplex with nail dystrophy; Epidermolysis bullosa simplex 5C, with pyloric atresia; Epidermolysis bullosa simplex 5B, with muscular dystrophy. Last evaluated: 2024-07-03. Review status: criteria provided, single submitter. Criteria: Invitae Variant Classification Sherloc (09022015). Collection method: clinical testing. Allele origin: germline.

NM_201384.3(PLEC):c.10434G>A (p.Val3478=)

Gene: PLEC (plectin; minus strand). Cytogenetic location: 8q24.3.
Variant type: single nucleotide variant.
Coding change: c.10434G>A on transcript NM_201384.3 (MANE Select); coding-DNA position 10434, G replaced by A.
Protein change: p.Val3478=; no amino-acid change (valine 3478 retained).
Molecular consequence: synonymous variant.
Genome position (GRCh38, 1-based): chr8:143,919,387, C>T on the plus strand (G>A on the coding strand, the complement: PLEC is on the minus strand). VCF-style: chr8-143919387-C-T. GRCh37 (hg19) VCF-style: chr8-144993555-C-T.
Other names: c.10515G>A, p.Val3505= (NM_000445.5); c.7134G>A, p.Val2378= (NM_001410941.1); c.10392G>A, p.Val3464= (NM_201378.4); c.10368G>A, p.Val3456= (NM_201379.3); c.10845G>A, p.Val3615= (NM_201380.4); c.10338G>A, p.Val3446= (NM_201381.3); c.10434G>A, p.Val3478= (NM_201382.4); c.10446G>A, p.Val3482= (NM_201383.3); and 1 more.
Identifiers: ClinVar variation 3760937 (VCV003760937.3).
Genomic context (GRCh38, chr8:143,919,387, plus strand): 5'-CATCTCCTCACTGAAGTAGCCGCGCTGGTAGGCCACGTCCACAGGCACGCGGTGGCTGTG[C>T]ACGGGGTCGATGATGCCGCCCGTGGCGATCTGGGCCTCCAGCAGGCGGATGCCGTGCTGC-3'
Protein context (NP_958786.1, residues 3468-3488): QIATGGIIDP[Val3478=]HSHRVPVDVA